The following is an entry in ClinVar:

ClinVar aggregate classification (germline): Conflicting classifications of pathogenicity. Review status: criteria provided, conflicting classifications (1 of 4 stars). 17 submissions from 15 submitters: Pathogenic (12); Likely pathogenic (3); Uncertain significance (1). 1 of the submissions does not count toward it. Last evaluated 2026-09-16.
ClinVar aggregate classification (somatic clinical impact): Tier I - Strong. Review status: criteria provided, single submitter (1 of 4 stars). 2 submissions from 1 submitter. 1 of the submissions does not count toward it. Last evaluated 2023-09-28.
ClinVar aggregate classification (oncogenicity): Oncogenic (1 of 4 stars; one submission).

Conditions:
ASXL1-related disorder. Also called: ASXL1-related condition; ASXL1-related disorders.
Bohring-Opitz syndrome. Also called: ASXL1-Related Bohring-Opitz Syndrome; C-LIKE SYNDROME; BOHRING SYNDROME; OPITZ TRIGONOCEPHALY-LIKE SYNDROME. Identifiers: Orphanet 97297, MedGen C0796232, MONDO:0011510, OMIM 605039.
Myeloproliferative neoplasm. Identifiers: Orphanet 98274, MedGen C1292778, MONDO:0020076.
Abnormal brain morphology. Also called: Abnormality of brain morphology. Identifiers: MedGen C4021085, HP:0012443.
Diffuse midline glioma, H3 K27M-mutant. Identifiers: MedGen C4289688, MONDO:0957196.
Ependymoma. Also called: Ependymoma, familial; Clear cell ependymoma (histologic variant); Papillary ependymoma (histologic variant); Cellular ependymoma (histologic variant); Tanycytic ependymoma (histologic variant). Identifiers: Orphanet 251636, MedGen C0014474, MeSH D004806, MONDO:0016698, HP:0002888.
Neoplasm. Also called: Neoplasms; Neoplasm (disease); tumor. Identifiers: MedGen C0027651, MeSH D009369, MONDO:0005070, HP:0002664.

Submissions 1 to 10 of 20:

Dept of Medical Biology, Uskudar University
Classification: Likely pathogenic for Myeloproliferative neoplasm. Last evaluated: 2026-09-16. Review status: criteria provided, single submitter. Criteria: Dept of Medical Biology Variant Classification. Collection method: research. Allele origin: unknown. Affected: yes. Observed: 4 variant alleles.
Comment: PVS1_strong: frameshift in the last exon (exon 13), predicted to escape nonsense-mediated decay but to truncate the protein upstream of the carboxy-terminal PHD domain (PMID:30192042). PS3_supporting: truncating ASXL1 mutations promote myeloid transformation through loss of PRC2-mediated gene repression (PMID:22897849). PS4_moderate: recurrent in myeloproliferative neoplasms (PMID:19609284; PMID:29959414). PM1: mutational hotspot at the c.1927-c.1934 guanine homopolymer. BS1 not applied: gnomAD v4.1 entries at this homopolymer (allele frequency 4.1e-04 in exomes, 6.4e-04 in genomes) are attributable to sequencing artefact or clonal haematopoiesis (PMID:20596031; PMID:29959414; PMID:25426837). Classified as likely pathogenic under the ACMG/AMP 2015 guidelines (PMID:25741868). Detected in a retrospective series of 256 BCR::ABL1-negative and JAK2 V617F-negative patients referred for molecular investigation of a suspected myeloproliferative neoplasm (May 2007 to January 2015) and re-interpreted under the ACMG/AMP 2015 criteria.

CeGaT Center for Human Genetics Tuebingen
Classification: Uncertain significance. Last evaluated: 2026-05-01. Review status: criteria provided, single submitter. Criteria: CeGaT Center For Human Genetics Tuebingen Variant Classification Criteria Version 2. Collection method: clinical testing. Allele origin: germline. Affected: yes. Observed: 1 variant allele.
Comment: ASXL1: PVS1:Strong

Variantyx, Inc.
Classification: Pathogenic for Bohring-Opitz syndrome. Last evaluated: 2025-12-22. Review status: criteria provided, single submitter. Criteria: Variantyx Assertion Criteria 2022. Collection method: clinical testing. Allele origin: de novo. Inheritance: Autosomal dominant inheritance. Affected: yes.
Comment: This is a frameshift variant in the ASXL1 gene (OMIM: 612990). Pathogenic variants in this gene have been associated with autosomal dominant Bohring-Opitz syndrome. The alteration introduces a premature termination codon in exon 13 out of 13. Although this variant is in the last exon, it is expected to result in loss of function, which is a known disease mechanism for ASXL1 in this disorder (PMID: 29681105, 30147881, 35361921) (PVS1). This variant has a 0.0455% maximum allele frequency in non-founder control populations. However, many of the variants in population databases may represent somatic (acquired) variants (PMID:28229513). Based on the current evidence, this variant is classified as pathogenic for autosomal dominant Bohring-Opitz syndrome.

Dasa
Classification: Pathogenic. Last evaluated: 2025-06-16. Review status: criteria provided, single submitter. Criteria: DASA Assertion Criteria. Collection method: clinical testing. Allele origin: germline.
Comment: NM_015338.6(ASXL1):c.1934dupG (p.Gly646fs) is a frameshift variant in ASXL1 predicted to alter the reading frame and introduce a premature termination codon. Loss of function is an established disease mechanism for ASXL1 (PMID: 21706002; PMID: 22419483). Based on the currently available evidence, this variant is classified as pathogenic.

GeneDx
Classification: Pathogenic. Last evaluated: 2025-03-12. Review status: criteria provided, single submitter. Criteria: GeneDx Variant Classification Process June 2021. Collection method: clinical testing. Allele origin: germline. Affected: yes.
Comment: Frameshift variant predicted to result in abnormal protein length as the last 896 amino acid(s) are replaced with 11 different amino acid(s), and other similar variants have been reported in HGMD; This variant is associated with the following publications: (PMID: 35861108, 37432431, 30476936, 36751885, 37204857, 28832022, 33502020, 32381577, 28229513, 20596031, 20693432, 30013160, 29681105, 30147881, 35586607, 35361921, 37379307)

Center for Genomic Medicine, Rigshospitalet, Copenhagen University Hospital
Classification: Oncogenic for Neoplasm. Last evaluated: 2025-03-04. Review status: criteria provided, single submitter. Criteria: ClinGen/CGC/VICC Guidelines for Oncogenicity, 2022. Collection method: clinical testing. Allele origin: somatic. Affected: yes.

Women's Health and Genetics/Laboratory Corporation of America, LabCorp
Classification: Pathogenic for Bohring-Opitz syndrome. Last evaluated: 2024-03-25. Review status: criteria provided, single submitter. Criteria: LabCorp Variant Classification Summary - May 2015. Collection method: clinical testing. Allele origin: germline.
Comment: Variant summary: ASXL1 c.1934dupG (p.Gly646TrpfsX12) located in the last exon results in a premature termination codon, predicted to cause a truncation of the encoded protein or absence of the protein due to nonsense mediated decay, which are commonly known mechanisms for disease. Truncations downstream of this position have been reported in association with Bohring-Opitz syndrome in the HGMD/LOVD databases. The frequency data for this variant in gnomAD is considered unreliable, as metrics indicate poor data quality at this position. c.1934dupG has been reported in the literature as a de-novo variant in at-least two individuals affected with Bohring-Opitz Syndrome (example, Kibe_2017, Urreizti_2018). As this variant is located in a homopolymer tract of guanines it is prone to replication slippage and could be overrepresented as sequencing artifacts. This variant has also been reported to be a common cancer-associated ASXL1 variant in settings of myeloid malignancies (Van Ness_2016). These data indicate that the variant may be associated with disease. To our knowledge, no experimental evidence demonstrating an impact on protein function has been reported. ClinVar contains an entry for this variant (Variation ID: 426927). Based on the evidence outlined above, in settings where somatic mosaicism, clonal hematopoiesis of indeterminate potential (CHIP) and technical artifacts of analysis are ruled out, the variant was classified as pathogenic in association with Bohring-Opitz Syndrome.

Labcorp Genetics (formerly Invitae), Labcorp
Classification: Pathogenic. Last evaluated: 2024-02-22. Review status: criteria provided, single submitter. Criteria: Invitae Variant Classification Sherloc (09022015). Collection method: clinical testing. Allele origin: germline.
Comment: This sequence change creates a premature translational stop signal (p.Gly646Trpfs*12) in the ASXL1 gene. While this is not anticipated to result in nonsense mediated decay, it is expected to disrupt the last 896 amino acid(s) of the ASXL1 protein. The frequency data for this variant in the population databases is considered unreliable, as metrics indicate poor data quality at this position in the gnomAD database. This premature translational stop signal has been observed in individual(s) with Bohring-Opitz syndrome (PMID: 29681105, 30147881). In at least one individual the variant was observed to be de novo. ClinVar contains an entry for this variant (Variation ID: 426927). For these reasons, this variant has been classified as Pathogenic.

Daryl Scott Lab, Baylor College of Medicine
Classification: Pathogenic for ASXL1-related disorder. Last evaluated: 2024-01-01. Review status: criteria provided, single submitter. Criteria: ACMG Guidelines, 2015. Collection method: clinical testing. Allele origin: de novo. Affected: yes. Observed: 1 heterozygote.
Comment: PVS1, PS2, PS4

Daryl Scott Lab, Baylor College of Medicine
Classification: Pathogenic for Bohring-Opitz syndrome. Last evaluated: 2023-11-10. Review status: criteria provided, single submitter. Criteria: ACMG Guidelines, 2015. Collection method: clinical testing. Allele origin: de novo. Affected: yes.

NM_015338.6(ASXL1):c.1934dup (p.Gly646fs)

Gene: ASXL1 (ASXL transcriptional regulator 1; plus strand). Cytogenetic location: 20q11.21.
Variant type: Duplication.
Coding change: c.1934dup on transcript NM_015338.6 (MANE Select); coding-DNA position 1934, one base duplicated (G; older notation c.1934dupG).
Protein change: p.Gly646fs; shifts the reading frame from glycine 646.
Molecular consequence: frameshift variant.
Genome position (GRCh38, 1-based): chr20:32,434,646, G duplicated; the last of 8 consecutive G bases (chr20:32,434,639-32,434,646); duplicating any one gives the same sequence. VCF-style (leftmost placement, unchanged base first): chr20-32434638-A-AG. GRCh37 (hg19) VCF-style: chr20-31022441-A-AG.
Other names: c.1751dup, p.Gly585fs (NM_001363734.1); c.1934dup (LRG_630t1); c.1934dupG (NM_015338.5, NM_015338.6); short protein forms G585fs, G646fs.
Identifiers: ClinVar variation 426927 (VCV000426927.30), dbSNP rs750318549, ClinGen allele CA9808490.